The following is an entry in ClinVar:

NM_006690.4(MMP24):c.32C>T (p.Pro11Leu)

Genes: MMP24 (matrix metallopeptidase 24; plus strand), MMP24-AS1-EDEM2 (MMP24-AS1-EDEM2 readthrough; minus strand). Cytogenetic location: 20q11.22.
Variant type: single nucleotide variant.
Coding change: c.32C>T on transcript NM_006690.4 (MANE Select); coding-DNA position 32, C replaced by T.
Protein change: p.Pro11Leu; replaces proline 11 with leucine.
Molecular consequence: missense variant. On other transcripts: intron variant (1).
Genome position (GRCh38, 1-based): chr20:35,226,770, C>T. VCF-style: chr20-35226770-C-T. GRCh37 (hg19) VCF-style: chr20-33814573-C-T.
Other names: c.-351-8709G>A (NM_001355008.2); short protein forms P11L.
Identifiers: ClinVar variation 3912134 (VCV003912134.1).

ClinVar aggregate classification (germline): Uncertain significance (1 of 4 stars; one submission).

gnomAD v4.1: 27 of 602,540 alleles (0.0045%); highest among the groups gnomAD compares: South Asian, 0.017%; no homozygotes.

Submission:

Ambry Genetics
Classification: Uncertain significance. Last evaluated: 2025-06-03. Review status: criteria provided, single submitter. Criteria: Ambry Variant Classification Scheme 2023. Collection method: clinical testing. Allele origin: germline.
Comment: The c.32C>T (p.P11L) alteration is located in exon (coding exon ) of the MMP24 gene. This alteration results from a C to T substitution at nucleotide position 32, causing the proline (P) at amino acid position 11 to be replaced by a leucine (L). Based on insufficient or conflicting evidence, the clinical significance of this alteration remains unclear.